The following is an entry in ClinVar:

ClinVar aggregate classification (germline): Likely benign. Review status: criteria provided, single submitter (1 of 4 stars). 2 submissions from 2 submitters: Likely benign (1). 1 of the submissions does not count toward it. Last evaluated 2018-06-16.

Conditions:
IL17RD-related disorder. Also called: IL17RD-related condition.

Allele frequency attached by ClinVar (database versions not stated): 1000 Genomes Project 30x 0.00016; gnomAD 0.00062 and 0.00066; gnomAD exomes 0.00012; 1000 Genomes Project 0.00020; TOPMed 0.00063; ESP Exome Variant Server 0.00115; ExAC 0.00019.
gnomAD v4.1: 144 of 1,578,810 alleles (0.0091%); highest among the groups gnomAD compares: African/African-American, 0.18%; no homozygotes.

Submissions (2):

Labcorp Genetics (formerly Invitae), Labcorp
Classification: Likely benign. Last evaluated: 2018-06-16. Review status: criteria provided, single submitter. Criteria: Invitae Variant Classification Sherloc (09022015). Collection method: clinical testing. Allele origin: germline.

PreventionGenetics, part of Exact Sciences
Classification: Likely benign for IL17RD-related condition. Last evaluated: 2019-05-02. Review status: no assertion criteria provided. Collection method: clinical testing. Allele origin: germline. Not counted in ClinVar's aggregate classification.
Comment: This variant is classified as likely benign based on ACMG/AMP sequence variant interpretation guidelines (Richards et al. 2015 PMID: 25741868, with internal and published modifications).

NM_017563.5(IL17RD):c.948C>A (p.Leu316=)

Gene: IL17RD (interleukin 17 receptor D; minus strand). Cytogenetic location: 3p14.3.
Variant type: single nucleotide variant.
Coding change: c.948C>A on transcript NM_017563.5 (MANE Select); coding-DNA position 948, C replaced by A.
Protein change: p.Leu316=; no amino-acid change (leucine 316 retained).
Molecular consequence: synonymous variant.
Genome position (GRCh38, 1-based): chr3:57,102,510, G>T on the plus strand (C>A on the coding strand, the complement: IL17RD is on the minus strand). VCF-style: chr3-57102510-G-T. GRCh37 (hg19) VCF-style: chr3-57136538-G-T.
Other names: c.516C>A, p.Leu172= (NM_001318864.2).
Identifiers: ClinVar variation 721816 (VCV000721816.5), dbSNP rs148693397, ClinGen allele CA2462864.